The following is an entry in ClinVar:

NM_014956.5(CEP164):c.1574A>G (p.Gln525Arg)

Gene: CEP164 (centrosomal protein 164; plus strand). Cytogenetic location: 11q23.3.
Variant type: single nucleotide variant.
Coding change: c.1574A>G on transcript NM_014956.5 (MANE Select); coding-DNA position 1574, A replaced by G.
Protein change: p.Gln525Arg; replaces glutamine 525 with arginine.
Molecular consequence: missense variant.
Genome position (GRCh38, 1-based): chr11:117,381,865, A>G. VCF-style: chr11-117381865-A-G. GRCh37 (hg19) VCF-style: chr11-117252581-A-G.
Other names: c.1583A>G, p.Gln528Arg (NM_001271933.2); c.1574A>G (NM_014956.4); short protein forms Q528R, Q525R.
Identifiers: ClinVar variation 1420198 (VCV001420198.7), dbSNP rs778958469, ClinGen allele CA6294786.
Genomic context (GRCh38, chr11:117,381,865, plus strand): 5'-AGGAGGCAGAGGAGCTTGGGGAGGACTCTGCAGCCAGCCTCAGCCTGCAGCTGTCCCTCC[A>G]GAGGTAAGGATGAGGGGAAGCATCCTCATGAGGATGAGGGCTGGTGGCTGCTCTGTGTGT-3'
Protein context (NP_055771.4, residues 515-535): AASLSLQLSL[Gln525Arg]REQAPSPPAA

ClinVar aggregate classification (germline): Uncertain significance. Review status: criteria provided, multiple submitters, no conflicts (2 of 4 stars). 3 submissions from 3 submitters: Uncertain significance (3). Last evaluated 2023-07-19.

Conditions:
Inborn genetic diseases. Identifiers: MedGen C0950123, MeSH D030342.
Nephronophthisis 15 (NPHP15). Identifiers: Orphanet 3156, MedGen C3541853, MONDO:0013917, OMIM 614845.

Allele frequency attached by ClinVar (database versions not stated): TOPMed below 0.00001; gnomAD exomes 0.00005.
gnomAD v4.1: 24 of 1,495,670 alleles (0.0016%); highest among the groups gnomAD compares: East Asian, 0.058%; no homozygotes.

Submissions (3):

Ambry Genetics
Classification: Uncertain significance for Inborn genetic diseases. Last evaluated: 2023-07-19. Review status: criteria provided, single submitter. Criteria: Ambry Variant Classification Scheme 2023. Collection method: clinical testing. Allele origin: germline.

Labcorp Genetics (formerly Invitae), Labcorp
Classification: Uncertain significance for Nephronophthisis 15. Last evaluated: 2022-08-16. Review status: criteria provided, single submitter. Criteria: Invitae Variant Classification Sherloc (09022015). Collection method: clinical testing. Allele origin: germline.
Comment: This sequence change replaces glutamine, which is neutral and polar, with arginine, which is basic and polar, at codon 525 of the CEP164 protein (p.Gln525Arg). This variant is present in population databases (rs778958469, gnomAD 0.05%). This variant has not been reported in the literature in individuals affected with CEP164-related conditions. ClinVar contains an entry for this variant (Variation ID: 1420198). Algorithms developed to predict the effect of missense changes on protein structure and function output the following: SIFT: "Tolerated"; PolyPhen-2: "Benign"; Align-GVGD: "Class C0". The arginine amino acid residue is found in multiple mammalian species, which suggests that this missense change does not adversely affect protein function. In summary, the available evidence is currently insufficient to determine the role of this variant in disease. Therefore, it has been classified as a Variant of Uncertain Significance.

Fulgent Genetics
Classification: Uncertain significance for Nephronophthisis 15. Last evaluated: 2022-03-24. Review status: criteria provided, single submitter. Criteria: ACMG Guidelines, 2015. Collection method: clinical testing. Allele origin: unknown.